The following is an entry in ClinVar:

ClinVar aggregate classification (germline): Likely pathogenic (1 of 4 stars; one submission).

Conditions:
Intellectual developmental disorder, X-linked, syndromic 34. Also called: MENTAL RETARDATION, X-LINKED, SYNDROMIC, MIRCSOF-LANGOUET TYPE; Syndromic X-linked intellectual disability 34. Identifiers: Orphanet 466791, MedGen C4225417, MONDO:0010501, OMIM 300967.

Submission:

Women's Health and Genetics/Laboratory Corporation of America, LabCorp
Classification: Likely pathogenic for Intellectual developmental disorder, X-linked, syndromic 34. Last evaluated: 2024-02-05. Review status: criteria provided, single submitter. Criteria: LabCorp Variant Classification Summary - May 2015. Collection method: clinical testing. Allele origin: germline.
Comment: Variant summary: NONO c.332_348+280del297 involves the deletion of a canonical splice-site and is predicted to affect mRNA splicing resulting in a significantly altered protein due to either exon skipping, shortening, or inclusion of intronic material. Several computational tools predict a significant impact on normal splicing: Four predict the variant abolishes a canonical 5' splicing donor site. However, these predictions have yet to be confirmed by functional studies. The variant was absent in 142823 control chromosomes (gnomAD). To our knowledge, no occurrence of c.332_348+280del297 in individuals affected with Mental Retardation, X-Linked, Syndromic 34 and no experimental evidence demonstrating its impact on protein function have been reported. No submitters have cited clinical-significance assessments for this variant to ClinVar. Based on the evidence outlined above, the variant was classified as likely pathogenic.

NM_007363.5(NONO):c.332_348+280del

Gene: NONO (non-POU domain containing octamer binding; plus strand). Cytogenetic location: Xq13.1.
Variant type: Deletion.
Coding change: c.332_348+280del on transcript NM_007363.5 (MANE Select); coding-DNA position 332 through 280 bases into the intron after coding-DNA position 348, 297 bases deleted.
Molecular consequence: splice donor variant.
Genome position (GRCh38, 1-based): chrX:71,291,956-71,292,252, 297 bases deleted. GRCh37 (hg19): chrX:70,511,806-70,512,102.
Other names: c.332_348+280del297 (NM_001145408.2); c.332_348+280del (NM_001145408.2, NM_001145409.2); c.65_81+280del (NM_001145410.2).
Identifiers: ClinVar variation 3068943 (VCV003068943.2), dbSNP rs2519886575, ClinGen allele CA2825002964.